The following is an entry in ClinVar:

ClinVar aggregate classification (germline): Benign/Likely benign. Review status: criteria provided, multiple submitters, no conflicts (2 of 4 stars). 10 submissions from 10 submitters: Benign (4); Likely benign (2). 4 of the submissions do not count toward it. Last evaluated 2026-07-01.

Conditions:
MTOR-related disorder. Also called: MTOR-related condition.

Allele frequency attached by ClinVar (database versions not stated): gnomAD exomes 0.00043 and 0.00103; ExAC 0.00097; ESP Exome Variant Server 0.00146; 1000 Genomes Project 30x 0.00156; gnomAD 0.00188 and 0.00198; 1000 Genomes Project 0.00200; TOPMed 0.00209.
gnomAD v4.1: 970 of 1,614,102 alleles (0.06%); highest among the groups gnomAD compares: African/African-American, 0.57%; 6 homozygotes.

Submissions (10):

CeGaT Center for Human Genetics Tuebingen
Classification: Likely benign. Last evaluated: 2026-07-01. Review status: criteria provided, single submitter. Criteria: CeGaT Center For Human Genetics Tuebingen Variant Classification Criteria Version 2. Collection method: clinical testing. Allele origin: germline. Affected: yes. Observed: 4 variant alleles.
Comment: MTOR: BP4, BP7, BS1

Labcorp Genetics (formerly Invitae), Labcorp
Classification: Benign. Last evaluated: 2026-01-28. Review status: criteria provided, single submitter. Criteria: Invitae Variant Classification Sherloc (09022015). Collection method: clinical testing. Allele origin: germline.

Blueprint Genetics
Classification: Likely benign. Last evaluated: 2024-08-12. Review status: criteria provided, single submitter. Criteria: ACMG Guidelines, 2015. Collection method: clinical testing. Allele origin: germline.

GeneDx
Classification: Benign. Last evaluated: 2019-12-09. Review status: criteria provided, single submitter. Criteria: GeneDx Variant Classification Process June 2021. Collection method: clinical testing. Allele origin: germline. Affected: yes.
Comment: This variant is associated with the following publications: (PMID: 26504747)

Eurofins Ntd Llc (ga)
Classification: Benign. Last evaluated: 2018-01-23. Review status: criteria provided, single submitter. Criteria: EGL Classification Definitions 2015. Collection method: clinical testing. Allele origin: germline. Observed: 1 variant allele, 1 heterozygote.

Breakthrough Genomics
Classification: Benign. Review status: criteria provided, single submitter. Criteria: ACMG Guidelines, 2015. Collection method: not provided. Allele origin: germline. Inheritance: Autosomal dominant inheritance. Affected: yes.

PreventionGenetics, part of Exact Sciences
Classification: Benign for MTOR-related condition. Last evaluated: 2019-07-12. Review status: no assertion criteria provided. Collection method: clinical testing. Allele origin: germline. Not counted in ClinVar's aggregate classification.
Comment: This variant is classified as benign based on ACMG/AMP sequence variant interpretation guidelines (Richards et al. 2015 PMID: 25741868, with internal and published modifications).

Clinical Genetics DNA and cytogenetics Diagnostics Lab, Erasmus MC, Erasmus Medical Center
Classification: Likely benign. Review status: no assertion criteria provided. Collection method: clinical testing. Allele origin: germline. Affected: yes. Study: VKGL Data-share Consensus. Not counted in ClinVar's aggregate classification.

Genome Diagnostics Laboratory, University Medical Center Utrecht
Classification: Likely benign. Review status: no assertion criteria provided. Collection method: clinical testing. Allele origin: germline. Affected: yes. Study: VKGL Data-share Consensus. Not counted in ClinVar's aggregate classification.

Laboratory of Diagnostic Genome Analysis, Leiden University Medical Center (LUMC)
Classification: Likely benign. Review status: no assertion criteria provided. Collection method: clinical testing. Allele origin: germline. Affected: yes. Study: VKGL Data-share Consensus. Not counted in ClinVar's aggregate classification.

NM_004958.4(MTOR):c.663C>G (p.Thr221=)

Gene: MTOR (mechanistic target of rapamycin kinase; minus strand). Cytogenetic location: 1p36.22.
Variant type: single nucleotide variant.
Coding change: c.663C>G on transcript NM_004958.4 (MANE Select); coding-DNA position 663, C replaced by G.
Protein change: p.Thr221=; no amino-acid change (threonine 221 retained).
Molecular consequence: synonymous variant.
Genome position (GRCh38, 1-based): chr1:11,256,034, G>C on the plus strand (C>G on the coding strand, the complement: MTOR is on the minus strand). VCF-style: chr1-11256034-G-C. GRCh37 (hg19) VCF-style: chr1-11316091-G-C.
Other names: c.663C>G (LRG_734t1).
Identifiers: ClinVar variation 414899 (VCV000414899.46), dbSNP rs112439072, ClinGen allele CA590904.
Genomic context (GRCh38, chr1:11,256,034, plus strand): 5'-ATGGAGCCATCTCCTTACCCTGTACCACTGAGGCTTCTGCATCTCCTTCGGCTCACGCTG[G>C]GTTGTGAGAATCAGACAGGCACGAAGGGCGGCTACAGCTCCCTCACGGATGGCCTGTTTG-3'
Protein context (NP_004949.1, residues 211-231): AALRACLILT[Thr221=]QREPKEMQKP